The following is an entry in ClinVar:

NM_001126108.2(SLC12A3):c.1314C>G (p.Tyr438Ter)

Gene: SLC12A3 (solute carrier family 12 member 3; plus strand). Cytogenetic location: 16q13.
Variant type: single nucleotide variant.
Coding change: c.1314C>G on transcript NM_001126108.2 (MANE Select); coding-DNA position 1314, C replaced by G.
Protein change: p.Tyr438Ter; replaces tyrosine 438 with a stop codon.
Molecular consequence: nonsense.
Genome position (GRCh38, 1-based): chr16:56,879,206, C>G. VCF-style: chr16-56879206-C-G. GRCh37 (hg19) VCF-style: chr16-56913118-C-G.
Other names: c.1314C>G, p.Tyr438Ter (NM_000339.3); c.1311C>G, p.Tyr437Ter (NM_001126107.2); short protein forms Y437*, Y438*.
Identifiers: ClinVar variation 834760 (VCV000834760.9), dbSNP rs776210036, ClinGen allele CA395986317.

ClinVar aggregate classification (germline): Pathogenic. Review status: criteria provided, single submitter (1 of 4 stars). 2 submissions from 2 submitters: Pathogenic (1). 1 of the submissions does not count toward it. Last evaluated 2019-11-28.

Conditions:
Familial hypokalemia-hypomagnesemia (GTLMNS). Also called: HYPOMAGNESEMIA-HYPOKALEMIA, PRIMARY RENOTUBULAR, WITH HYPOCALCIURIA; POTASSIUM AND MAGNESIUM DEPLETION; gitelman syndrome. Identifiers: Orphanet 358, MedGen C0268450, MONDO:0009904, OMIM 263800.
Bartter syndrome. Identifiers: Orphanet 112, MedGen C0004775, MONDO:0015231.

gnomAD v4.1: 3 of 1,613,944 alleles (0.00019%); highest among the groups gnomAD compares: Non-Finnish European, 0.00017%; no homozygotes.

Submissions (2):

Labcorp Genetics (formerly Invitae), Labcorp
Classification: Pathogenic. Last evaluated: 2019-11-28. Review status: criteria provided, single submitter. Criteria: Invitae Variant Classification Sherloc (09022015). Collection method: clinical testing. Allele origin: germline.
Comment: For these reasons, this variant has been classified as Pathogenic. Loss-of-function variants in SLC12A3 are known to be pathogenic (PMID: 20848653, 22009145, 25841442). This variant has not been reported in the literature in individuals with SLC12A3-related conditions. This variant is not present in population databases (ExAC no frequency). This sequence change creates a premature translational stop signal (p.Tyr438*) in the SLC12A3 gene. It is expected to result in an absent or disrupted protein product.

Sydney Genome Diagnostics, Children's Hospital Westmead
Classification: Pathogenic for Familial hypokalemia-hypomagnesemia; Bartter syndrome. Last evaluated: 2018-05-03. Review status: no assertion criteria provided. Collection method: clinical testing. Allele origin: unknown. Affected: yes. Observed: 1 variant allele, 1 compound heterozygote. Not counted in ClinVar's aggregate classification.
Comment: This variant creates a premature stop codon (p.Tyr438*) and may result in a null allele due to nonsense-mediated mRNA decay. To our knowledge, this variant has not been previously reported to be a disease causing variant and it has not been reported in the ExAC allele frequency database. According to ACMG guidelines, this variant is considered to be pathogenic.

Literature cited by the submitters: PubMed 20848653 (cited by Labcorp Genetics (formerly Invitae), Labcorp); PubMed 22009145 (cited by Labcorp Genetics (formerly Invitae), Labcorp); PubMed 25841442 (cited by Labcorp Genetics (formerly Invitae), Labcorp).